The following is an entry in ClinVar:

NM_015295.3(SMCHD1):c.3514+5G>A

Gene: SMCHD1 (structural maintenance of chromosomes flexible hinge domain containing 1; plus strand). Cytogenetic location: 18p11.32.
Variant type: single nucleotide variant.
Coding change: c.3514+5G>A on transcript NM_015295.3 (MANE Select); 5 bases into the intron after coding-DNA position 3514, G replaced by A.
Molecular consequence: intron variant.
Genome position (GRCh38, 1-based): chr18:2,739,525, G>A. VCF-style: chr18-2739525-G-A. GRCh37 (hg19) VCF-style: chr18-2739523-G-A.
Identifiers: ClinVar variation 3626159 (VCV003626159.2).

ClinVar aggregate classification (germline): Uncertain significance (1 of 4 stars; one submission).

Conditions:
Facioscapulohumeral muscular dystrophy 2 (FSHD2). Also called: FACIOSCAPULOHUMERAL MUSCULAR DYSTROPHY 2, DIGENIC; FSHD2, DIGENIC; MUSCULAR DYSTROPHY, FACIOSCAPULOHUMERAL, TYPE 1B. Identifiers: Orphanet 269, MedGen C1834671, MONDO:0008031, OMIM 158901.

Submission:

Labcorp Genetics (formerly Invitae), Labcorp
Classification: Uncertain significance for Facioscapulohumeral muscular dystrophy 2. Last evaluated: 2024-07-23. Review status: criteria provided, single submitter. Criteria: Invitae Variant Classification Sherloc (09022015). Collection method: clinical testing. Allele origin: germline.
Comment: This sequence change falls in intron 27 of the SMCHD1 gene. It does not directly change the encoded amino acid sequence of the SMCHD1 protein. It affects a nucleotide within the consensus splice site. This variant is not present in population databases (gnomAD no frequency). This variant has not been reported in the literature in individuals affected with SMCHD1-related conditions. Variants that disrupt the consensus splice site are a relatively common cause of aberrant splicing (PMID: 17576681, 9536098). Algorithms developed to predict the effect of sequence changes on RNA splicing suggest that this variant may disrupt the consensus splice site. In summary, the available evidence is currently insufficient to determine the role of this variant in disease. Therefore, it has been classified as a Variant of Uncertain Significance.

Literature cited by the submitters: PubMed 17576681; PubMed 9536098.